The following is an entry in ClinVar:

NM_000245.4(MET):c.1701+58_1701+59insTG

Gene: MET (MET proto-oncogene, receptor tyrosine kinase; plus strand). Cytogenetic location: 7q31.2.
Variant type: Insertion.
Coding change: c.1701+58_1701+59insTG on transcript NM_000245.4 (MANE Select); bases 58 to 59 of the intron after coding-DNA position 1701, TG inserted.
Molecular consequence: intron variant.
Genome position: GRCh38 VCF-style: chr7-116741083-T-TTG. GRCh37 (hg19) VCF-style: chr7-116381137-T-TTG.
Other names: c.1701+58_1701+59insTG (NM_001127500.3, NM_001324401.3); c.411+58_411+59insTG (NM_001324402.2).
Identifiers: ClinVar variation 135557 (VCV000135557.1), dbSNP rs587777950, ClinGen allele CA163013.
Genomic context (GRCh38, chr7:116,741,083, plus strand): 5'-AAGGTAGGAATCTCTAACAGCTGGCATACATGTTTTTGTTTGGTGTTTTTTTTTTTTTTT[T>TTG]GGTTTGGTTTGGTTTGTTTTTTGTTTTTTTAGATACAAATCCCACTAATGAAAAAAATTT-3'

ClinVar aggregate classification (germline): not provided (0 of 4 stars; one submission).

Submission:

ITMI
No classification provided. Condition: AllHighlyPenetrant. Last evaluated: 2013-09-19. Review status: no classification provided. Collection method: reference population. Allele origin: germline.
Comment: Please see associated publication for description of ethnicities

Literature cited by the submitters: PubMed 24728327.